The following is an entry in ClinVar:

ClinVar aggregate classification (germline): Uncertain significance (1 of 4 stars; one submission).

Submission:

CeGaT Center for Human Genetics Tuebingen
Classification: Uncertain significance. Last evaluated: 2023-01-01. Review status: criteria provided, single submitter. Criteria: CeGaT Center For Human Genetics Tuebingen Variant Classification Criteria Version 2. Collection method: clinical testing. Allele origin: germline. Affected: yes. Observed: 1 variant allele.
Comment: NEK1: PM2, BP4

NM_001199397.3(NEK1):c.1136A>G (p.Asp379Gly)

Gene: NEK1 (NIMA related kinase 1; minus strand). Cytogenetic location: 4q33.
Variant type: single nucleotide variant.
Coding change: c.1136A>G on transcript NM_001199397.3 (MANE Select); coding-DNA position 1136, A replaced by G.
Protein change: p.Asp379Gly; replaces aspartic acid 379 with glycine.
Molecular consequence: missense variant. On other transcripts: non-coding transcript variant (2).
Genome position (GRCh38, 1-based): chr4:169,561,836, T>C on the plus strand (A>G on the coding strand, the complement: NEK1 is on the minus strand). VCF-style: chr4-169561836-T-C. GRCh37 (hg19) VCF-style: chr4-170482987-T-C.
Other names: c.1136A>G, p.Asp379Gly (NM_001199398.3, NM_001199399.3, NM_001199400.3 and 7 more transcripts); short protein forms D379G.
Identifiers: ClinVar variation 2655181 (VCV002655181.24), dbSNP rs2546792294, ClinGen allele CA358734535.